The following is an entry in ClinVar:

ClinVar aggregate classification (germline): Uncertain significance (1 of 4 stars; one submission).

Conditions:
Anterior segment dysgenesis. Also called: Ocular anterior segment dysgenesis. Identifiers: Orphanet 88632, MedGen C1862839, MONDO:0019503, HP:0007700.
Congenital primary aphakia. Also called: Anterior segment dysgenesis 2, multiple subtypes; ANTERIOR SEGMENT DYSGENESIS 2. Identifiers: Orphanet 83461, MedGen C1853230, MONDO:0012456, OMIM 610256.

Submission:

Labcorp Genetics (formerly Invitae), Labcorp
Classification: Uncertain significance for Anterior segment dysgenesis; Congenital primary aphakia. Last evaluated: 2025-12-21. Review status: criteria provided, single submitter. Criteria: Invitae Variant Classification Sherloc (09022015). Collection method: clinical testing. Allele origin: germline.
Comment: This sequence change replaces alanine, which is neutral and non-polar, with threonine, which is neutral and polar, at codon 294 of the FOXE3 protein (p.Ala294Thr). This variant is not present in population databases (gnomAD no frequency). This variant has not been reported in the literature in individuals affected with FOXE3-related conditions. ClinVar contains an entry for this variant (Variation ID: 2939525). An algorithm developed to predict the effect of missense changes on protein structure and function outputs the following: PolyPhen-2: "Benign". The threonine amino acid residue is found in multiple mammalian species, which suggests that this missense change does not adversely affect protein function. In summary, the available evidence is currently insufficient to determine the role of this variant in disease. Therefore, it has been classified as a Variant of Uncertain Significance.

NM_012186.3(FOXE3):c.880G>A (p.Ala294Thr)

Genes: FOXE3 (forkhead box E3; plus strand), LINC01389 (long independently transcribed non-coding RNA 1389; minus strand). Cytogenetic location: 1p33.
Variant type: single nucleotide variant.
Coding change: c.880G>A on transcript NM_012186.3 (MANE Select); coding-DNA position 880, G replaced by A.
Protein change: p.Ala294Thr; replaces alanine 294 with threonine.
Molecular consequence: missense variant.
Genome position (GRCh38, 1-based): chr1:47,417,195, G>A. VCF-style: chr1-47417195-G-A. GRCh37 (hg19) VCF-style: chr1-47882867-G-A.
Other names: short protein forms A294T.
Identifiers: ClinVar variation 2939525 (VCV002939525.3), dbSNP rs2521323906, ClinGen allele CA340250929.